The following is an entry in ClinVar:

NM_001144967.3(NEDD4L):c.1607T>G (p.Met536Arg)

Gene: NEDD4L (NEDD4 like E3 ubiquitin protein ligase; plus strand). Cytogenetic location: 18q21.31.
Variant type: single nucleotide variant.
Coding change: c.1607T>G on transcript NM_001144967.3 (MANE Select); coding-DNA position 1607, T replaced by G.
Protein change: p.Met536Arg; replaces methionine 536 with arginine.
Molecular consequence: missense variant.
Genome position (GRCh38, 1-based): chr18:58,349,568, T>G. VCF-style: chr18-58349568-T-G. GRCh37 (hg19) VCF-style: chr18-56016800-T-G.
Other names: c.1244T>G, p.Met415Arg (NM_001144964.1, NM_001144965.2, NM_001144966.3); c.1583T>G, p.Met528Arg (NM_001144968.2); c.1523T>G, p.Met508Arg (NM_001144969.2); c.1184T>G, p.Met395Arg (NM_001144970.3, NM_001144971.2); c.1415T>G, p.Met472Arg (NM_001243960.2); c.1547T>G, p.Met516Arg (NM_015277.6); short protein forms M395R, M508R, M528R, M415R, M516R, M472R, M536R.
Identifiers: ClinVar variation 1046638 (VCV001046638.7), dbSNP rs369952868, ClinGen allele CA8975737.

ClinVar aggregate classification (germline): Uncertain significance. Review status: criteria provided, multiple submitters, no conflicts (2 of 4 stars). 2 submissions from 2 submitters: Uncertain significance (2). Last evaluated 2024-05-21.

Conditions:
Periventricular nodular heterotopia 7 (PVNH7). Identifiers: MedGen C4310669, MONDO:0014966, OMIM 617201.

Allele frequency attached by ClinVar (database versions not stated): ExAC 0.00001; TOPMed 0.00001; ESP Exome Variant Server 0.00008.
gnomAD v4.1: 8 of 1,614,016 alleles (0.0005%); highest among the groups gnomAD compares: Non-Finnish European, 0.00068%; no homozygotes.

Submissions (2):

Labcorp Genetics (formerly Invitae), Labcorp
Classification: Uncertain significance. Last evaluated: 2024-05-21. Review status: criteria provided, single submitter. Criteria: Invitae Variant Classification Sherloc (09022015). Collection method: clinical testing. Allele origin: germline.
Comment: This sequence change replaces methionine, which is neutral and non-polar, with arginine, which is basic and polar, at codon 516 of the NEDD4L protein (p.Met516Arg). This variant is present in population databases (rs369952868, gnomAD 0.002%). This variant has not been reported in the literature in individuals affected with NEDD4L-related conditions. ClinVar contains an entry for this variant (Variation ID: 1046638). Advanced modeling of protein sequence and biophysical properties (such as structural, functional, and spatial information, amino acid conservation, physicochemical variation, residue mobility, and thermodynamic stability) performed at Invitae indicates that this missense variant is not expected to disrupt NEDD4L protein function with a negative predictive value of 80%. In summary, the available evidence is currently insufficient to determine the role of this variant in disease. Therefore, it has been classified as a Variant of Uncertain Significance.

Fulgent Genetics
Classification: Uncertain significance for Periventricular nodular heterotopia 7. Last evaluated: 2022-05-26. Review status: criteria provided, single submitter. Criteria: ACMG Guidelines, 2015. Collection method: clinical testing. Allele origin: unknown.